The following is an entry in ClinVar:

ClinVar aggregate classification (germline): Uncertain significance (0 of 4 stars; one submission).

Conditions:
DNAH11-related disorder. Also called: DNAH11-related condition.

Allele frequency attached by ClinVar (database versions not stated): gnomAD 0.00011; TOPMed 0.00030.
gnomAD v4.1: 16 of 152,252 alleles (0.011%); highest among the groups gnomAD compares: Admixed American, 0.098%; no homozygotes.

Submission:

PreventionGenetics, part of Exact Sciences
Classification: Uncertain significance for DNAH11-related condition. Last evaluated: 2024-01-17. Review status: no assertion criteria provided. Collection method: clinical testing. Allele origin: germline.
Comment: The DNAH11 c.4945-3758A>G variant is predicted to interfere with splicing. To our knowledge, this variant has not been reported in the literature. This variant is reported in 0.24% of alleles in individuals of Latino descent in gnomAD. At this time, the clinical significance of this variant is uncertain due to the absence of conclusive functional and genetic evidence.

NM_001277115.2(DNAH11):c.4945-3758A>G

Gene: DNAH11 (dynein axonemal heavy chain 11; plus strand). Cytogenetic location: 7p15.3.
Variant type: single nucleotide variant.
Coding change: c.4945-3758A>G on transcript NM_001277115.2 (MANE Select); 3758 bases into the intron before coding-DNA position 4945, A replaced by G.
Molecular consequence: intron variant.
Genome position (GRCh38, 1-based): chr7:21,652,074, A>G. VCF-style: chr7-21652074-A-G. GRCh37 (hg19) VCF-style: chr7-21691692-A-G.
Identifiers: ClinVar variation 3033971 (VCV003033971.2), dbSNP rs1031071667, ClinGen allele CA155080630.